The following is an entry in ClinVar:

NM_001197104.2(KMT2A):c.6293T>C (p.Ile2098Thr)

Gene: KMT2A (lysine methyltransferase 2A; plus strand). Cytogenetic location: 11q23.3.
Variant type: single nucleotide variant.
Coding change: c.6293T>C on transcript NM_001197104.2 (MANE Select); coding-DNA position 6293, T replaced by C.
Protein change: p.Ile2098Thr; replaces isoleucine 2098 with threonine.
Molecular consequence: missense variant.
Genome position (GRCh38, 1-based): chr11:118,501,121, T>C. VCF-style: chr11-118501121-T-C. GRCh37 (hg19) VCF-style: chr11-118371836-T-C.
Other names: c.6383T>C, p.Ile2128Thr (NM_001412597.1); c.6284T>C, p.Ile2095Thr (NM_005933.4); short protein forms I2095T, I2098T, I2128T.
Identifiers: ClinVar variation 2136263 (VCV002136263.3), dbSNP rs1950493368, ClinGen allele CA382801274.

ClinVar aggregate classification (germline): Uncertain significance (1 of 4 stars; one submission).

Allele frequency attached by ClinVar (database versions not stated): gnomAD exomes below 0.00001.
gnomAD v4.1: 1 of 1,613,994 alleles (0.000062%); highest among the groups gnomAD compares: Non-Finnish European, 0.000085%; no homozygotes.

Submission:

GeneDx
Classification: Uncertain significance. Last evaluated: 2023-02-06. Review status: criteria provided, single submitter. Criteria: GeneDx Variant Classification Process June 2021. Collection method: clinical testing. Allele origin: germline. Affected: yes.
Comment: Not observed at significant frequency in large population cohorts (gnomAD); In silico analysis supports that this missense variant has a deleterious effect on protein structure/function; Has not been previously published as pathogenic or benign to our knowledge